The following is an entry in ClinVar:

ClinVar aggregate classification (germline): Conflicting classifications of pathogenicity. Review status: criteria provided, conflicting classifications (1 of 4 stars). 3 submissions from 3 submitters: Uncertain significance (2); Likely benign (1). Last evaluated 2025-01-24.

Conditions:
Cardiovascular phenotype. Identifiers: MedGen CN230736.
Hereditary cancer-predisposing syndrome. Also called: Tumor predisposition; Neoplastic Syndromes, Hereditary; Hereditary Cancer Syndrome; Hereditary neoplastic syndrome. Identifiers: Orphanet 140162, MedGen C0027672, MeSH D009386, MONDO:0015356.
Neurofibromatosis, type 1 (NF1). Also called: NEUROFIBROMATOSIS, TYPE I, SOMATIC; VON RECKLINGHAUSEN DISEASE; Neurofibromatosis, type I; Peripheral type neurofibromatosis. Identifiers: Orphanet 636, MedGen C0027831, MONDO:0018975, OMIM 162200. Disease mechanism: loss of function.

Allele frequency attached by ClinVar (database versions not stated): gnomAD exomes below 0.00001; TOPMed below 0.00001.

Submissions (3):

Ambry Genetics
Classification: Likely benign for Cardiovascular phenotype; Hereditary cancer-predisposing syndrome. Last evaluated: 2025-01-24. Review status: criteria provided, single submitter. Criteria: Ambry Variant Classification Scheme 2023. Collection method: clinical testing. Allele origin: germline.

Genome-Nilou Lab
Classification: Uncertain significance for Neurofibromatosis, type 1. Last evaluated: 2022-03-15. Review status: criteria provided, single submitter. Criteria: ACMG Guidelines, 2015. Collection method: clinical testing. Allele origin: germline. Affected: no.

Labcorp Genetics (formerly Invitae), Labcorp
Classification: Uncertain significance for Neurofibromatosis, type 1. Last evaluated: 2021-12-26. Review status: criteria provided, single submitter. Criteria: Invitae Variant Classification Sherloc (09022015). Collection method: clinical testing. Allele origin: germline.
Comment: This variant is not present in population databases (gnomAD no frequency). This sequence change falls in intron 16 of the NF1 gene. It does not directly change the encoded amino acid sequence of the NF1 protein. It affects a nucleotide within the consensus splice site. This variant has not been reported in the literature in individuals affected with NF1-related conditions. In summary, the available evidence is currently insufficient to determine the role of this variant in disease. Therefore, it has been classified as a Variant of Uncertain Significance. Variants that disrupt the consensus splice site are a relatively common cause of aberrant splicing (PMID: 17576681, 9536098). ClinVar contains an entry for this variant (Variation ID: 485933).

Literature cited by the submitters: PubMed 17576681 (cited by Labcorp Genetics (formerly Invitae), Labcorp); PubMed 9536098 (cited by Labcorp Genetics (formerly Invitae), Labcorp).

NM_001042492.3(NF1):c.1846-3T>C

Gene: NF1 (neurofibromin 1; plus strand). Cytogenetic location: 17q11.2.
Variant type: single nucleotide variant.
Coding change: c.1846-3T>C on transcript NM_001042492.3 (MANE Select); 3 bases into the intron before coding-DNA position 1846, T replaced by C.
Molecular consequence: intron variant.
Genome position (GRCh38, 1-based): chr17:31,225,092, T>C. VCF-style: chr17-31225092-T-C. GRCh37 (hg19) VCF-style: chr17-29552110-T-C.
Other names: c.1846-3T>C (NM_000267.4).
Identifiers: ClinVar variation 485933 (VCV000485933.12), dbSNP rs1555613541, ClinGen allele CA658656599.